The following is an entry in ClinVar:

NM_022716.4(PRRX1):c.492C>G (p.Leu164=)

Gene: PRRX1 (paired related homeobox 1; plus strand). Cytogenetic location: 1q24.2.
Variant type: single nucleotide variant.
Coding change: c.492C>G on transcript NM_022716.4 (MANE Select); coding-DNA position 492, C replaced by G.
Protein change: p.Leu164=; no amino-acid change (leucine 164 retained).
Molecular consequence: synonymous variant.
Genome position (GRCh38, 1-based): chr1:170,726,294, C>G. VCF-style: chr1-170726294-C-G. GRCh37 (hg19) VCF-style: chr1-170695435-C-G.
Other names: c.492C>G, p.Leu164= (NM_006902.5).
Identifiers: ClinVar variation 3057903 (VCV003057903.2), dbSNP rs750047066, ClinGen allele CA1239534.

ClinVar aggregate classification (germline): Likely benign (0 of 4 stars; one submission).

Conditions:
PRRX1-related disorder. Also called: PRRX1-related condition.

Allele frequency attached by ClinVar (database versions not stated): ExAC 0.00001; TOPMed 0.00001.
gnomAD v4.1: 7 of 1,614,060 alleles (0.00043%); highest among the groups gnomAD compares: South Asian, 0.0011%; no homozygotes.

Submission:

PreventionGenetics, part of Exact Sciences
Classification: Likely benign for PRRX1-related condition. Last evaluated: 2019-02-28. Review status: no assertion criteria provided. Collection method: clinical testing. Allele origin: germline.
Comment: This variant is classified as likely benign based on ACMG/AMP sequence variant interpretation guidelines (Richards et al. 2015 PMID: 25741868, with internal and published modifications).